The following is an entry in ClinVar:

ClinVar aggregate classification (germline): Likely pathogenic. Review status: criteria provided, multiple submitters, no conflicts (2 of 4 stars). 3 submissions from 3 submitters: Likely pathogenic (2). 1 of the submissions does not count toward it. Last evaluated 2024-11-14.

Conditions:
Familial thoracic aortic aneurysm and aortic dissection (TAAD). Also called: Thoracic aortic aneurysms and dissections. Identifiers: Orphanet 91387, MedGen C4707243, MONDO:0019625.
Ehlers-Danlos syndrome, type 4 (EDSVASC). Also called: Ehlers-Danlos syndrome vascular type; Ehlers Danlos syndrome, ecchymotic type; Ehlers Danlos syndrome, arterial type; Ehlers Danlos syndrome, Sack-Barabas type; Ehlers-Danlos Syndrome Type IV. Identifiers: Orphanet 286, MedGen C0268338, MONDO:0017314, OMIM 130050.

Submissions (3):

Ambry Genetics
Classification: Likely pathogenic for Familial thoracic aortic aneurysm and aortic dissection. Last evaluated: 2024-11-14. Review status: criteria provided, single submitter. Criteria: Ambry Variant Classification Scheme 2023. Collection method: clinical testing. Allele origin: germline.
Comment: The p.G939C variant (also known as c.2815G>T), located in coding exon 39 of the COL3A1 gene, results from a G to T substitution at nucleotide position 2815. The glycine at codon 939 is replaced by cysteine, an amino acid with highly dissimilar properties. The majority (approximately two-thirds) ofCOL3A1mutations identified to date have involved the substitution of another amino acid for glycine within the triple-helical domain (PepinMG et al.GenetMed.2014;16(12):881-8; Frank M et al.Eur J Hum Genet. 2015;23(12):1657-64). Internal structural analysis indicates that this alteration disrupts the characteristic G-X-Y motif in theCOL3A1protein and inserts a bulky side chain into asterically-constrainedregion (Bella J et al.Science.1994;266:75-81;HohenesterE et al.Proc. Natl.Acad. Sci. U.S.A.2008;105:18273-7; Ambry internal data). This variant was reported in individuals with features consistent with COL3A1-related Ehlers-Danlos syndrome (Pepin MG et al. Genet Med, 2014 Dec;16:881-8). This amino acid position is highly conserved in available vertebrate species. In addition, this alteration is predicted to be deleterious by in silico analysis. This variant is considered to be rare based on population cohorts in the Genome Aggregation Database (gnomAD). Based on the majority of available evidence to date, this variant is likely to be pathogenic.

Labcorp Genetics (formerly Invitae), Labcorp
Classification: Likely pathogenic for Ehlers-Danlos syndrome, type 4. Last evaluated: 2019-10-16. Review status: criteria provided, single submitter. Criteria: Invitae Variant Classification Sherloc (09022015). Collection method: clinical testing. Allele origin: germline.
Comment: Algorithms developed to predict the effect of missense changes on protein structure and function are either unavailable or do not agree on the potential impact of this missense change (SIFT: "Deleterious"; PolyPhen-2: "Probably Damaging"; Align-GVGD: "Class C0"). This variant has been observed in individuals affected with Ehlers-Danlos syndrome (PMID: 24922459, Invitae). ClinVar contains an entry for this variant (Variation ID: 101254). This variant is not present in population databases (ExAC no frequency). This sequence change replaces glycine with cysteine at codon 939 of the COL3A1 protein (p.Gly939Cys). The glycine residue is moderately conserved and there is a large physicochemical difference between glycine and cysteine. This variant disrupts the p.Gly939 amino acid residue in COL3A1. Other variant(s) that disrupt this residue have been observed in individuals with COL3A1-related conditions (PMID: 8680408, 30793832), which suggests that this may be a clinically significant amino acid residue. ClinVar contains an entry for this variant (Variation ID: 101254). Glycine residues within the Gly-Xaa-Yaa repeats of the triple helix domain are required for the structure and stability of fibrillar collagens (PMID: 7695699, 8218237, 19344236). In COL3A1, variants that affect these glycine residues are significantly enriched in individuals with disease (PMID: 24922459, 25758994) compared to the general population (ExAC). In summary, the currently available evidence indicates that the variant is pathogenic, but additional data are needed to prove that conclusively. Therefore, this variant has been classified as Likely Pathogenic.

Collagen Diagnostic Laboratory, University of Washington
Classification: Pathogenic for Ehlers-Danlos syndrome, type 4. Review status: no assertion criteria provided. Collection method: clinical testing. Allele origin: germline. Affected: yes. Not counted in ClinVar's aggregate classification.

Literature cited by the submitters: PubMed 24922459 (cited by Ambry Genetics and Labcorp Genetics (formerly Invitae), Labcorp); PubMed 8680408 (cited by Labcorp Genetics (formerly Invitae), Labcorp); PubMed 30793832 (cited by Labcorp Genetics (formerly Invitae), Labcorp); PubMed 7695699 (cited by Labcorp Genetics (formerly Invitae), Labcorp); PubMed 8218237 (cited by Labcorp Genetics (formerly Invitae), Labcorp); PubMed 19344236 (cited by Labcorp Genetics (formerly Invitae), Labcorp); PubMed 25758994 (cited by Labcorp Genetics (formerly Invitae), Labcorp).

NM_000090.4(COL3A1):c.2815G>T (p.Gly939Cys)

Gene: COL3A1 (collagen type III alpha 1 chain; plus strand). Cytogenetic location: 2q32.2.
Variant type: single nucleotide variant.
Coding change: c.2815G>T on transcript NM_000090.4 (MANE Select); coding-DNA position 2815, G replaced by T.
Protein change: p.Gly939Cys; replaces glycine 939 with cysteine.
Molecular consequence: missense variant.
Genome position (GRCh38, 1-based): chr2:189,004,135, G>T. VCF-style: chr2-189004135-G-T. GRCh37 (hg19) VCF-style: chr2-189868861-G-T.
Identifiers: ClinVar variation 101254 (VCV000101254.13), dbSNP rs587779550, ClinGen allele CA005707.